The following is an entry in ClinVar:

ClinVar aggregate classification (germline): Uncertain significance (1 of 4 stars; one submission).

Submission:

Labcorp Genetics (formerly Invitae), Labcorp
Classification: Uncertain significance. Last evaluated: 2025-10-26. Review status: criteria provided, single submitter. Criteria: Invitae Variant Classification Sherloc (09022015). Collection method: clinical testing. Allele origin: germline.
Comment: This sequence change replaces threonine, which is neutral and polar, with asparagine, which is neutral and polar, at codon 1469 of the MTOR protein (p.Thr1469Asn). This variant is not present in population databases (gnomAD no frequency). This variant has not been reported in the literature in individuals affected with MTOR-related conditions. Invitae Evidence Modeling of protein sequence and biophysical properties (such as structural, functional, and spatial information, amino acid conservation, physicochemical variation, residue mobility, and thermodynamic stability) indicates that this missense variant is not expected to disrupt MTOR protein function with a negative predictive value of 95%. In summary, the available evidence is currently insufficient to determine the role of this variant in disease. Therefore, it has been classified as a Variant of Uncertain Significance.

NM_004958.4(MTOR):c.4406C>A (p.Thr1469Asn)

Gene: MTOR (mechanistic target of rapamycin kinase; minus strand). Cytogenetic location: 1p36.22.
Variant type: single nucleotide variant.
Coding change: c.4406C>A on transcript NM_004958.4 (MANE Select); coding-DNA position 4406, C replaced by A.
Protein change: p.Thr1469Asn; replaces threonine 1469 with asparagine.
Molecular consequence: missense variant.
Genome position (GRCh38, 1-based): chr1:11,157,215, G>T on the plus strand (C>A on the coding strand, the complement: MTOR is on the minus strand). VCF-style: chr1-11157215-G-T. GRCh37 (hg19) VCF-style: chr1-11217272-G-T.
Other names: c.4406C>A, p.Thr1469Asn (NM_001386500.1); c.3158C>A, p.Thr1053Asn (NM_001386501.1); short protein forms T1053N, T1469N.
Identifiers: ClinVar variation 4799831 (VCV004799831.1).